The following is an entry in ClinVar:

NM_018975.4(TERF2IP):c.851C>T (p.Pro284Leu)

Gene: TERF2IP (TERF2 interacting protein; plus strand). Cytogenetic location: 16q23.1.
Variant type: single nucleotide variant.
Coding change: c.851C>T on transcript NM_018975.4 (MANE Select); coding-DNA position 851, C replaced by T.
Protein change: p.Pro284Leu; replaces proline 284 with leucine.
Molecular consequence: missense variant. On other transcripts: non-coding transcript variant (1).
Genome position (GRCh38, 1-based): chr16:75,656,262, C>T. VCF-style: chr16-75656262-C-T. GRCh37 (hg19) VCF-style: chr16-75690160-C-T.
Other names: short protein forms P284L.
Identifiers: ClinVar variation 1763710 (VCV001763710.8), dbSNP rs199604402, ClinGen allele CA8178115.

ClinVar aggregate classification (germline): Uncertain significance. Review status: criteria provided, multiple submitters, no conflicts (2 of 4 stars). 2 submissions from 2 submitters: Uncertain significance (2). Last evaluated 2025-11-11.

Allele frequency attached by ClinVar (database versions not stated): gnomAD 0.00003; ExAC 0.00004; gnomAD exomes 0.00004; TOPMed 0.00008.

Submissions (2):

Labcorp Genetics (formerly Invitae), Labcorp
Classification: Uncertain significance. Last evaluated: 2025-11-11. Review status: criteria provided, single submitter. Criteria: Invitae Variant Classification Sherloc (09022015). Collection method: clinical testing. Allele origin: germline.
Comment: This sequence change replaces proline, which is neutral and non-polar, with leucine, which is neutral and non-polar, at codon 284 of the TERF2IP protein (p.Pro284Leu). This variant is present in population databases (rs199604402, gnomAD 0.2%), and has an allele count higher than expected for a pathogenic variant. This variant has not been reported in the literature in individuals affected with TERF2IP-related conditions. ClinVar contains an entry for this variant (Variation ID: 1763710). An algorithm developed to predict the effect of missense changes on protein structure and function (PolyPhen-2) suggests that this variant is likely to be tolerated. In summary, the available evidence is currently insufficient to determine the role of this variant in disease. Therefore, it has been classified as a Variant of Uncertain Significance.

Ambry Genetics
Classification: Uncertain significance. Last evaluated: 2024-10-11. Review status: criteria provided, single submitter. Criteria: Ambry Variant Classification Scheme 2023. Collection method: clinical testing. Allele origin: germline.
Comment: The p.P284L variant (also known as c.851C>T), located in coding exon 3 of the TERF2IP gene, results from a C to T substitution at nucleotide position 851. The proline at codon 284 is replaced by leucine, an amino acid with similar properties. This amino acid position is conserved. In addition, this alteration is predicted to be tolerated by in silico analysis. Since supporting evidence is limited at this time, the clinical significance of this alteration remains unclear.